The following is an entry in ClinVar:

NM_001142800.2(EYS):c.849T>G (p.Asp283Glu)

Gene: EYS (EGF-like photoreceptor maintenance factor; minus strand). Cytogenetic location: 6q12.
Variant type: single nucleotide variant.
Coding change: c.849T>G on transcript NM_001142800.2 (MANE Select); coding-DNA position 849, T replaced by G.
Protein change: p.Asp283Glu; replaces aspartic acid 283 with glutamic acid.
Molecular consequence: missense variant.
Genome position (GRCh38, 1-based): chr6:65,490,607, A>C on the plus strand (T>G on the coding strand, the complement: EYS is on the minus strand). VCF-style: chr6-65490607-A-C. GRCh37 (hg19) VCF-style: chr6-66200500-A-C.
Other names: c.849T>G, p.Asp283Glu (NM_001142801.2, NM_001292009.2, NM_198283.2); c.849T>G (NM_001142800.1); short protein forms D283E.
Identifiers: ClinVar variation 1363527 (VCV001363527.8), dbSNP rs747084936, ClinGen allele CA3877974.

ClinVar aggregate classification (germline): Uncertain significance. Review status: criteria provided, multiple submitters, no conflicts (2 of 4 stars). 2 submissions from 2 submitters: Uncertain significance (2). Last evaluated 2025-09-26.

Conditions:
Inborn genetic diseases. Identifiers: MedGen C0950123, MeSH D030342.

Allele frequency attached by ClinVar (database versions not stated): gnomAD exomes below 0.00001; ExAC 0.00001; gnomAD 0.00001; TOPMed 0.00001.
gnomAD v4.1: 2 of 1,606,520 alleles (0.00012%); highest among the groups gnomAD compares: African/African-American, 0.0027%; no homozygotes.

Submissions (2):

Ambry Genetics
Classification: Uncertain significance for Inborn genetic diseases. Last evaluated: 2025-09-26. Review status: criteria provided, single submitter. Criteria: Ambry Variant Classification Scheme 2023. Collection method: clinical testing. Allele origin: germline.

Labcorp Genetics (formerly Invitae), Labcorp
Classification: Uncertain significance. Last evaluated: 2024-10-29. Review status: criteria provided, single submitter. Criteria: Invitae Variant Classification Sherloc (09022015). Collection method: clinical testing. Allele origin: germline.
Comment: This sequence change replaces aspartic acid, which is acidic and polar, with glutamic acid, which is acidic and polar, at codon 283 of the EYS protein (p.Asp283Glu). This variant is present in population databases (rs747084936, gnomAD 0.007%). This variant has not been reported in the literature in individuals affected with EYS-related conditions. ClinVar contains an entry for this variant (Variation ID: 1363527). Invitae Evidence Modeling of protein sequence and biophysical properties (such as structural, functional, and spatial information, amino acid conservation, physicochemical variation, residue mobility, and thermodynamic stability) indicates that this missense variant is not expected to disrupt EYS protein function with a negative predictive value of 80%. In summary, the available evidence is currently insufficient to determine the role of this variant in disease. Therefore, it has been classified as a Variant of Uncertain Significance.